The following is an entry in ClinVar:

NM_001080.3(ALDH5A1):c.116C>G (p.Pro39Arg)

Genes: ALDH5A1 (aldehyde dehydrogenase 5 family member A1; plus strand), GPLD1 (glycosylphosphatidylinositol specific phospholipase D1; minus strand), LOC129995978 (ATAC-STARR-seq lymphoblastoid silent region 16989; plus strand). Cytogenetic location: 6p22.3.
Variant type: single nucleotide variant.
Coding change: c.116C>G on transcript NM_001080.3 (MANE Select); coding-DNA position 116, C replaced by G.
Protein change: p.Pro39Arg; replaces proline 39 with arginine.
Molecular consequence: missense variant.
Genome position (GRCh38, 1-based): chr6:24,495,112, C>G. VCF-style: chr6-24495112-C-G. GRCh37 (hg19) VCF-style: chr6-24495340-C-G.
Other names: c.116C>G, p.Pro39Arg (NM_001368954.1, NM_170740.1); short protein forms P39R.
Identifiers: ClinVar variation 529479 (VCV000529479.6), dbSNP rs1251540347, ClinGen allele CA362968257.

ClinVar aggregate classification (germline): Uncertain significance (1 of 4 stars; one submission).

Conditions:
Succinate-semialdehyde dehydrogenase deficiency (SSADHD). Also called: GABA METABOLIC DEFECT; 4-HYDROXYBUTYRIC ACIDURIA; SSADH DEFICIENCY; Succinic Semialdehyde Dehydrogenase Deficiency. Identifiers: Orphanet 22, MedGen C0268631, MONDO:0010083, OMIM 271980.

Allele frequency attached by ClinVar (database versions not stated): gnomAD exomes below 0.00001; gnomAD 0.00001; TOPMed 0.00001.
gnomAD v4.1: 3 of 1,310,908 alleles (0.00023%); highest among the groups gnomAD compares: African/African-American, 0.0046%; no homozygotes.

Submission:

Labcorp Genetics (formerly Invitae), Labcorp
Classification: Uncertain significance for Succinate-semialdehyde dehydrogenase deficiency. Last evaluated: 2021-09-01. Review status: criteria provided, single submitter. Criteria: Invitae Variant Classification Sherloc (09022015). Collection method: clinical testing. Allele origin: germline.
Comment: This sequence change replaces proline with arginine at codon 39 of the ALDH5A1 protein (p.Pro39Arg). The proline residue is weakly conserved and there is a moderate physicochemical difference between proline and arginine. The frequency data for this variant in the population databases is considered unreliable, as metrics indicate insufficient coverage at this position in the ExAC database. This variant has not been reported in the literature in individuals affected with ALDH5A1-related conditions. Algorithms developed to predict the effect of missense changes on protein structure and function are either unavailable or do not agree on the potential impact of this missense change (SIFT: "Deleterious"; PolyPhen-2: "Benign"; Align-GVGD: "Class C0"). In summary, the available evidence is currently insufficient to determine the role of this variant in disease. Therefore, it has been classified as a Variant of Uncertain Significance.